The following is an entry in ClinVar:

NM_001204.7(BMPR2):c.563T>C (p.Met188Thr)

Gene: BMPR2 (bone morphogenetic protein receptor type 2; plus strand). Cytogenetic location: 2q33.2.
Variant type: single nucleotide variant.
Coding change: c.563T>C on transcript NM_001204.7 (MANE Select); coding-DNA position 563, T replaced by C.
Protein change: p.Met188Thr; replaces methionine 188 with threonine.
Molecular consequence: missense variant.
Genome position (GRCh38, 1-based): chr2:202,514,921, T>C. VCF-style: chr2-202514921-T-C. GRCh37 (hg19) VCF-style: chr2-203379644-T-C.
Other names: short protein forms M188T.
Identifiers: ClinVar variation 3824864 (VCV003824864.1).
Genomic context (GRCh38, chr2:202,514,921, plus strand): 5'-TTAGTAACCTGTTTCCTGTTCTTATAGGAGACCGTAAACAAGGTCTTCACAGTATGAACA[T>C]GATGGAGGCAGCAGCATCCGAACCCTCTCTTGATCTAGATAATCTGAAACTGTTGGAGGT-3'
Protein context (NP_001195.2, residues 178-198): DRKQGLHSMN[Met188Thr]MEAAASEPSL

ClinVar aggregate classification (germline): Uncertain significance (1 of 4 stars; one submission).

Conditions:
Inborn genetic diseases. Identifiers: MedGen C0950123, MeSH D030342.

Submission:

Ambry Genetics
Classification: Uncertain significance for Inborn genetic diseases. Last evaluated: 2025-01-30. Review status: criteria provided, single submitter. Criteria: Ambry Variant Classification Scheme 2023. Collection method: clinical testing. Allele origin: germline.
Comment: The p.M188T variant (also known as c.563T>C), located in coding exon 5 of the BMPR2 gene, results from a T to C substitution at nucleotide position 563. The methionine at codon 188 is replaced by threonine, an amino acid with similar properties. This amino acid position is conserved. In addition, this alteration is predicted to be deleterious by in silico analysis. Based on the available evidence, the clinical significance of this variant remains unclear.